The following is an entry in ClinVar:

NM_080680.3(COL11A2):c.2639G>A (p.Gly880Glu)

Gene: COL11A2 (collagen type XI alpha 2 chain; minus strand). Cytogenetic location: 6p21.32.
Variant type: single nucleotide variant.
Coding change: c.2639G>A on transcript NM_080680.3 (MANE Select); coding-DNA position 2639, G replaced by A.
Protein change: p.Gly880Glu; replaces glycine 880 with glutamic acid.
Molecular consequence: missense variant.
Genome position (GRCh38, 1-based): chr6:33,173,545, C>T on the plus strand (G>A on the coding strand, the complement: COL11A2 is on the minus strand). VCF-style: chr6-33173545-C-T. GRCh37 (hg19) VCF-style: chr6-33141322-C-T.
Other names: c.2318G>A, p.Gly773Glu (NM_080679.3); c.2381G>A, p.Gly794Glu (NM_080681.3); short protein forms G794E, G773E, G880E.
Identifiers: ClinVar variation 2132301 (VCV002132301.4), dbSNP rs2534941027, ClinGen allele CA363641994.
Genomic context (GRCh38, chr6:33,173,545, plus strand): 5'-GCTCGGGGTCAACTTACCGGGGGTCCTTTCGGTCCAGGAAACCCGTTGGGACCCTGAGGT[C>T]CAGGGAGGCCCTAGAGACAGAGGTGGGGGGAGTCAGGAGAATGGGGGCAGGGGCTGAGTG-3'
Protein context (NP_542411.2, residues 870-890): HGPPGERGLP[Gly880Glu]PQGPNGFPGP

ClinVar aggregate classification (germline): Uncertain significance (1 of 4 stars; one submission).

Submission:

Labcorp Genetics (formerly Invitae), Labcorp
Classification: Uncertain significance. Last evaluated: 2024-04-22. Review status: criteria provided, single submitter. Criteria: Invitae Variant Classification Sherloc (09022015). Collection method: clinical testing. Allele origin: germline.
Comment: This sequence change replaces glycine, which is neutral and non-polar, with glutamic acid, which is acidic and polar, at codon 880 of the COL11A2 protein (p.Gly880Glu). This variant is not present in population databases (gnomAD no frequency). This variant has not been reported in the literature in individuals affected with COL11A2-related conditions. ClinVar contains an entry for this variant (Variation ID: 2132301). Advanced modeling of protein sequence and biophysical properties (such as structural, functional, and spatial information, amino acid conservation, physicochemical variation, residue mobility, and thermodynamic stability) performed at Invitae indicates that this missense variant is expected to disrupt COL11A2 protein function with a positive predictive value of 95%. In summary, the available evidence is currently insufficient to determine the role of this variant in disease. Therefore, it has been classified as a Variant of Uncertain Significance.